The following is an entry in ClinVar:

ClinVar aggregate classification (germline): Pathogenic (1 of 4 stars; one submission).

Conditions:
VPS13A-related neurodegenerative disease. Also called: ACANTHOCYTOSIS WITH NEUROLOGIC DISORDER; LEVINE-CRITCHLEY SYNDROME; Choreoacanthocytosis; Chorea-acanthocytosis; Choreaacanthocytosis; VPS13A Disease. Identifiers: Orphanet 2388, MedGen C0393576, MONDO:0008695, OMIM 200150.

Submission:

Myriad Genetics, Inc.
Classification: Pathogenic for VPS13A-related neurodegenerative disease. Last evaluated: 2025-08-24. Review status: criteria provided, single submitter. Criteria: Myriad Autosomal Dominant, Autosomal Recessive and X-Linked Classification Criteria (2023). Collection method: clinical testing. Allele origin: unknown.
Comment: NM_033305.2(VPS13A):c.6946_6947delAT(M2316Dfs*2) is expected to be pathogenic in the context of VPS13A disease. This variant is predicted to lead to an abnormal or absent protein product due to the creation of a premature termination codon in VPS13A, a gene where loss-of-function variants are known to be pathogenic. Please note: this variant was assessed in the context of healthy population screening.

NM_033305.3(VPS13A):c.6946_6947del (p.Met2316fs)

Gene: VPS13A (vacuolar protein sorting 13 homolog A; plus strand). Cytogenetic location: 9q21.2.
Variant type: Microsatellite.
Coding change: c.6946_6947del on transcript NM_033305.3 (MANE Select); coding-DNA positions 6946 to 6947, 2 bases deleted (AT; older notation c.6946_6947delAT).
Protein change: p.Met2316fs; shifts the reading frame from methionine 2316.
Molecular consequence: frameshift variant.
Genome position (GRCh38, 1-based): chr9:77,340,470-77,340,471, AT deleted; deleting any 2 consecutive bases within chr9:77,340,467-77,340,471 gives the same sequence; the c. name uses the placement nearest the transcript's 3' end. VCF-style (leftmost placement, unchanged base first): chr9-77340466-TTA-T. GRCh37 (hg19) VCF-style: chr9-79955382-TTA-T.
Other names: c.6829_6830del, p.Met2277fs (NM_001018037.2); c.6946_6947del, p.Met2316fs (NM_001018038.3, NM_015186.4); short protein forms M2277fs, M2316fs.
Identifiers: ClinVar variation 5014914 (VCV005014914.1).
Genomic context (GRCh38, chr9:77,340,466, plus strand): 5'-TGGTGTCACTATAGACCTGAGCAGTTTTAACATTACTAGAATTGTGACATTTACCCCTTT[TTA>T]TATGATTAAAAACAAAAGCAAATACCATATATCAGTGGCTGAAGAAGGAAATGATAAATG-3'